The following is an entry in ClinVar:

ClinVar aggregate classification (germline): Uncertain significance (1 of 4 stars; one submission).

Conditions:
3-methylglutaconic aciduria, type VIIB (MGCA7B). Also called: 3-methylglutaconic aciduria with cataracts, neurologic involvement and neutropenia; CLPB Deficiency; 3-methylglutaconic aciduria, type VII, with cataracts, neurologic involvement and neutropenia. Identifiers: Orphanet 445038, MedGen C5676893, MONDO:0014561, OMIM 616271.

Allele frequency attached by ClinVar (database versions not stated): ExAC 0.00001; gnomAD 0.00002; gnomAD exomes 0.00002; TOPMed 0.00005; 1000 Genomes Project 0.00020; 1000 Genomes Project 30x 0.00031.

Submission:

Labcorp Genetics (formerly Invitae), Labcorp
Classification: Uncertain significance for 3-methylglutaconic aciduria, type VIIB. Last evaluated: 2025-08-21. Review status: criteria provided, single submitter. Criteria: Invitae Variant Classification Sherloc (09022015). Collection method: clinical testing. Allele origin: germline.
Comment: This sequence change replaces glutamic acid, which is acidic and polar, with lysine, which is basic and polar, at codon 604 of the CLPB protein (p.Glu604Lys). This variant is present in population databases (rs562782058, gnomAD 0.004%). This variant has not been reported in the literature in individuals affected with CLPB-related conditions. ClinVar contains an entry for this variant (Variation ID: 2162143). An algorithm developed to predict the effect of missense changes on protein structure and function (PolyPhen-2) suggests that this variant is likely to be tolerated. In summary, the available evidence is currently insufficient to determine the role of this variant in disease. Therefore, it has been classified as a Variant of Uncertain Significance.

NM_001258392.3(CLPB):c.1720G>A (p.Glu574Lys)

Gene: CLPB (ClpB family mitochondrial disaggregase; minus strand). Cytogenetic location: 11q13.4.
Variant type: single nucleotide variant.
Coding change: c.1720G>A on transcript NM_001258392.3 (MANE Select); coding-DNA position 1720, G replaced by A.
Protein change: p.Glu574Lys; replaces glutamic acid 574 with lysine.
Molecular consequence: missense variant.
Genome position (GRCh38, 1-based): chr11:72,294,087, C>T on the plus strand (G>A on the coding strand, the complement: CLPB is on the minus strand). VCF-style: chr11-72294087-C-T. GRCh37 (hg19) VCF-style: chr11-72005131-C-T.
Other names: c.1633G>A, p.Glu545Lys (NM_001258393.3); c.1675G>A, p.Glu559Lys (NM_001258394.3); c.1810G>A, p.Glu604Lys (NM_030813.6); short protein forms E545K, E604K, E559K, E574K.
Identifiers: ClinVar variation 2162143 (VCV002162143.4), dbSNP rs562782058, ClinGen allele CA6171057.